The following is an entry in ClinVar:

ClinVar aggregate classification (germline): Uncertain significance (1 of 4 stars; one submission).

Conditions:
Cardiovascular phenotype. Identifiers: MedGen CN230736.

gnomAD v4.1: 3 of 1,613,882 alleles (0.00019%); highest among the groups gnomAD compares: Non-Finnish European, 0.00025%; no homozygotes.

Submission:

Ambry Genetics
Classification: Uncertain significance for Cardiovascular phenotype. Last evaluated: 2026-01-28. Review status: criteria provided, single submitter. Criteria: Ambry Variant Classification Scheme 2023. Collection method: clinical testing. Allele origin: germline.
Comment: The c.4123-3C>T intronic variant results from a C to T substitution 3 nucleotides upstream from coding exon 34 in the ANK2 gene. This nucleotide position is not well conserved in available vertebrate species. In silico splice site analysis predicts that this alteration will not have any significant effect on splicing. Based on the available evidence, the clinical significance of this variant remains unclear.

NM_001148.6(ANK2):c.4123-3C>T

Gene: ANK2 (ankyrin 2; plus strand). Cytogenetic location: 4q26.
Variant type: single nucleotide variant.
Coding change: c.4123-3C>T on transcript NM_001148.6 (MANE Select); 3 bases into the intron before coding-DNA position 4123, C replaced by T.
Molecular consequence: intron variant.
Genome position (GRCh38, 1-based): chr4:113,343,014, C>T. VCF-style: chr4-113343014-C-T. GRCh37 (hg19) VCF-style: chr4-114264170-C-T.
Other names: c.4072-3C>T (NM_001354254.2); c.4093-3C>T (NM_001354239.2, NM_001354252.2); c.3994-3C>T (NM_001354272.2); c.4057-3C>T (NM_001354244.2, NM_001354256.2, NM_001386161.1); c.4096-3C>T (NM_001127493.3); c.4060-3C>T (NM_001386143.1, NM_001354243.2, NM_001354255.2); c.3961-3C>T (NM_001354262.2, NM_001354275.2, NM_001354245.2); c.3898-3C>T (NM_001354253.2, NM_001354270.2); and 31 more.
Identifiers: ClinVar variation 4824182 (VCV004824182.1).
Genomic context (GRCh38, chr4:113,343,014, plus strand): 5'-TTTGTGTAAACAACAAGTATAATTGCAGCTACTTTATTGTTATTTCTCTCTGTTTTCACT[C>T]AGGTGTTAGAAGGAAAACCCATCTACGTTGATTGTTTCGGCAACTTGGTACCATTAACTA-3'